The following is an entry in ClinVar:

ClinVar aggregate classification (germline): Conflicting classifications of pathogenicity. Review status: criteria provided, conflicting classifications (1 of 4 stars). 6 submissions from 6 submitters: Uncertain significance (1); Likely benign (4). 1 of the submissions does not count toward it. Last evaluated 2026-02-02.

Conditions:
KIAA0586-related disorder. Also called: KIAA0586- Related disorders; KIAA0586-related condition.
Joubert syndrome 23 (JBTS23). Identifiers: Orphanet 475, MedGen C4084822, MONDO:0014664, OMIM 616490.
Short-rib thoracic dysplasia 14 with polydactyly (SRTD14). Identifiers: Orphanet 397715, MedGen C4225286, MONDO:0014688, OMIM 616546.

Allele frequency attached by ClinVar (database versions not stated): 1000 Genomes Project 0.00080; 1000 Genomes Project 30x 0.00109; ExAC 0.00153; gnomAD exomes 0.00161; gnomAD 0.00171 and 0.00175; TOPMed 0.00174; ESP Exome Variant Server 0.00205.
gnomAD v4.1: 4,132 of 1,613,868 alleles (0.26%); highest among the groups gnomAD compares: Non-Finnish European, 0.31%; 6 homozygotes.

Submissions (6):

Labcorp Genetics (formerly Invitae), Labcorp
Classification: Likely benign for Joubert syndrome 23; Short-rib thoracic dysplasia 14 with polydactyly. Last evaluated: 2026-02-02. Review status: criteria provided, single submitter. Criteria: Invitae Variant Classification Sherloc (09022015). Collection method: clinical testing. Allele origin: germline.

GeneDx
Classification: Uncertain significance. Last evaluated: 2025-11-11. Review status: criteria provided, single submitter. Criteria: GeneDx Variant Classification Process June 2021. Collection method: clinical testing. Allele origin: germline. Affected: yes.
Comment: In silico analysis supports that this missense variant has a deleterious effect on protein structure/function; Has not been previously published as pathogenic or benign to our knowledge

CeGaT Center for Human Genetics Tuebingen
Classification: Likely benign. Last evaluated: 2025-11-01. Review status: criteria provided, single submitter. Criteria: CeGaT Center For Human Genetics Tuebingen Variant Classification Criteria Version 2. Collection method: clinical testing. Allele origin: germline. Affected: yes. Observed: 2 variant alleles.
Comment: KIAA0586: BS2

Blueprint Genetics
Classification: Likely benign. Last evaluated: 2024-11-15. Review status: criteria provided, single submitter. Criteria: ACMG Guidelines, 2015. Collection method: clinical testing. Allele origin: germline.

Breakthrough Genomics
Classification: Likely benign. Review status: criteria provided, single submitter. Criteria: ACMG Guidelines, 2015. Collection method: not provided. Allele origin: germline. Inheritance: Autosomal recessive inheritance. Affected: yes.

PreventionGenetics, part of Exact Sciences
Classification: Likely benign for KIAA0586-related condition. Last evaluated: 2020-09-02. Review status: no assertion criteria provided. Collection method: clinical testing. Allele origin: germline. Not counted in ClinVar's aggregate classification.
Comment: This variant is classified as likely benign based on ACMG/AMP sequence variant interpretation guidelines (Richards et al. 2015 PMID: 25741868, with internal and published modifications).

NM_001329943.3(KIAA0586):c.3553G>A (p.Glu1185Lys)

Gene: KIAA0586 (KIAA0586; plus strand). Cytogenetic location: 14q23.1.
Variant type: single nucleotide variant.
Coding change: c.3553G>A on transcript NM_001329943.3 (MANE Select); coding-DNA position 3553, G replaced by A.
Protein change: p.Glu1185Lys; replaces glutamic acid 1185 with lysine.
Molecular consequence: missense variant.
Genome position (GRCh38, 1-based): chr14:58,488,646, G>A. VCF-style: chr14-58488646-G-A. GRCh37 (hg19) VCF-style: chr14-58955364-G-A.
Other names: c.3712G>A, p.Glu1238Lys (NM_001244189.2); c.3508G>A, p.Glu1170Lys (NM_001244190.2); c.3298G>A, p.Glu1100Lys (NM_001244191.2, NM_001329945.2, NM_001364700.1 and 1 more transcripts); c.3421G>A, p.Glu1141Lys (NM_001244192.2); c.3133G>A, p.Glu1045Lys (NM_001244193.2); c.3553G>A, p.Glu1185Lys (NM_001329944.2, NM_001329946.2, NM_001329947.2); c.3325G>A, p.Glu1109Lys (NM_014749.5); short protein forms E1045K, E1185K, E1238K, E1170K, E1100K, E1109K, E1141K.
Identifiers: ClinVar variation 766938 (VCV000766938.44), dbSNP rs200722491, ClinGen allele CA7206196.
Genomic context (GRCh38, chr14:58,488,646, plus strand): 5'-CCTAACAAGCTCCAAATATGTCTTTATTTTCTTAGTGTAATGTCTGTGGCTAAGGATGAA[G>A]AACCAGAGAGTATGGATTTCCCTGCTCAGCCTCCACCTCCAGAGCCAGTTCCCTTTATGC-3'
Protein context (NP_001316872.1, residues 1175-1195): AIVMSVAKDE[Glu1185Lys]PESMDFPAQP